The following is an entry in ClinVar:

ClinVar aggregate classification (germline): Uncertain significance. Review status: criteria provided, multiple submitters, no conflicts (2 of 4 stars). 2 submissions from 2 submitters: Uncertain significance (2). Last evaluated 2025-01-27.

Conditions:
Inborn genetic diseases. Identifiers: MedGen C0950123, MeSH D030342.

Allele frequency attached by ClinVar (database versions not stated): ExAC 0.00010; TOPMed 0.00050; gnomAD 0.00053; ESP Exome Variant Server 0.00054.
gnomAD v4.1: 123 of 1,613,956 alleles (0.0076%); highest among the groups gnomAD compares: African/African-American, 0.15%; no homozygotes.

Submissions (2):

Ambry Genetics
Classification: Uncertain significance for Inborn genetic diseases. Last evaluated: 2025-01-27. Review status: criteria provided, single submitter. Criteria: Ambry Variant Classification Scheme 2023. Collection method: clinical testing. Allele origin: germline.

Labcorp Genetics (formerly Invitae), Labcorp
Classification: Uncertain significance. Last evaluated: 2022-04-22. Review status: criteria provided, single submitter. Criteria: Invitae Variant Classification Sherloc (09022015). Collection method: clinical testing. Allele origin: germline.
Comment: This sequence change replaces aspartic acid, which is acidic and polar, with valine, which is neutral and non-polar, at codon 21 of the UPB1 protein (p.Asp21Val). This variant is present in population databases (rs148926761, gnomAD 0.1%). This variant has not been reported in the literature in individuals affected with UPB1-related conditions. Algorithms developed to predict the effect of missense changes on protein structure and function are either unavailable or do not agree on the potential impact of this missense change (SIFT: "Deleterious"; PolyPhen-2: "Benign"; Align-GVGD: "Class C15"). In summary, the available evidence is currently insufficient to determine the role of this variant in disease. Therefore, it has been classified as a Variant of Uncertain Significance.

NM_016327.3(UPB1):c.62A>T (p.Asp21Val)

Gene: UPB1 (beta-ureidopropionase 1; plus strand). Cytogenetic location: 22q11.23.
Variant type: single nucleotide variant.
Coding change: c.62A>T on transcript NM_016327.3 (MANE Select); coding-DNA position 62, A replaced by T.
Protein change: p.Asp21Val; replaces aspartic acid 21 with valine.
Molecular consequence: missense variant.
Genome position (GRCh38, 1-based): chr22:24,495,465, A>T. VCF-style: chr22-24495465-A-T. GRCh37 (hg19) VCF-style: chr22-24891433-A-T.
Other names: c.62A>T (NM_016327.2); short protein forms D21V.
Identifiers: ClinVar variation 2076935 (VCV002076935.5), dbSNP rs148926761, ClinGen allele CA10152973.
Genomic context (GRCh38, chr22:24,495,465, plus strand): 5'-TGGCGGGCGCTGAGTGGAAGTCGCTGGAGGAATGCTTGGAGAAGCACCTGCCGCTCCCCG[A>T]CTTGCAGGAAGTGAAGCGCGTTCTCTATGGCAAGGAACTCAGGTCCGCAGCCAAGAGGCT-3'
Protein context (NP_057411.1, residues 11-31): ECLEKHLPLP[Asp21Val]LQEVKRVLYG